The following is an entry in ClinVar:

NM_000059.4(BRCA2):c.9494C>G (p.Thr3165Ser)

Gene: BRCA2 (BRCA2 DNA repair associated; plus strand). Cytogenetic location: 13q13.1.
Variant type: single nucleotide variant.
Coding change: c.9494C>G on transcript NM_000059.4 (MANE Select); coding-DNA position 9494, C replaced by G.
Protein change: p.Thr3165Ser; replaces threonine 3165 with serine.
Molecular consequence: missense variant.
Genome position (GRCh38, 1-based): chr13:32,394,926, C>G. VCF-style: chr13-32394926-C-G. GRCh37 (hg19) VCF-style: chr13-32969063-C-G.
Other names: short protein forms T3165S.
Identifiers: ClinVar variation 423676 (VCV000423676.12), dbSNP rs1064796569, ClinGen allele CA16619791.

ClinVar aggregate classification (germline): Conflicting classifications of pathogenicity. Review status: criteria provided, conflicting classifications (1 of 4 stars). 3 submissions from 3 submitters: Uncertain significance (2); Benign (1). Last evaluated 2025-05-25.

Conditions:
Hereditary cancer-predisposing syndrome. Also called: Hereditary neoplastic syndrome; Neoplastic Syndromes, Hereditary; Tumor predisposition; Hereditary Cancer Syndrome. Identifiers: Orphanet 140162, MedGen C0027672, MeSH D009386, MONDO:0015356.
Hereditary breast ovarian cancer syndrome. Also called: BRCA1- and BRCA2-Associated Hereditary Breast and Ovarian Cancer; Hereditary breast and/or ovarian cancer syndrome; Hereditary breast and ovarian cancer syndrome; Hereditary breast and ovarian cancer; Hereditary breast and ovarian cancer syndrome (HBOC); Breast and ovarian cancer. Identifiers: Orphanet 145, MedGen C0677776, MeSH D061325, MONDO:0003582. Disease mechanism: loss of function.

Submissions (3):

Labcorp Genetics (formerly Invitae), Labcorp
Classification: Uncertain significance for Hereditary breast ovarian cancer syndrome. Last evaluated: 2025-05-25. Review status: criteria provided, single submitter. Criteria: Invitae Variant Classification Sherloc (09022015). Collection method: clinical testing. Allele origin: germline.
Comment: This sequence change replaces threonine, which is neutral and polar, with serine, which is neutral and polar, at codon 3165 of the BRCA2 protein (p.Thr3165Ser). This variant is not present in population databases (gnomAD no frequency). This variant has not been reported in the literature in individuals affected with BRCA2-related conditions. ClinVar contains an entry for this variant (Variation ID: 423676). Invitae Evidence Modeling of protein sequence and biophysical properties (such as structural, functional, and spatial information, amino acid conservation, physicochemical variation, residue mobility, and thermodynamic stability) indicates that this missense variant is not expected to disrupt BRCA2 protein function with a negative predictive value of 95%. In summary, the available evidence is currently insufficient to determine the role of this variant in disease. Therefore, it has been classified as a Variant of Uncertain Significance.

Ambry Genetics
Classification: Benign for Hereditary cancer-predisposing syndrome. Last evaluated: 2025-05-23. Review status: criteria provided, single submitter. Criteria: Ambry Variant Classification Scheme 2023. Collection method: clinical testing. Allele origin: germline.

GeneDx
Classification: Uncertain significance. Last evaluated: 2017-02-15. Review status: criteria provided, single submitter. Criteria: GeneDx Variant Classification (06012015). Collection method: clinical testing. Allele origin: germline. Affected: yes.
Comment: This variant is denoted BRCA2 c.9494C>G at the cDNA level, p.Thr3165Ser (T3165S) at the protein level, and results in the change of a Threonine to a Serine (ACT>AGT). Using alternate nomenclature, this variant would be defined as BRCA2 9722C>G. This variant has not, to our knowledge, been published in the literature as pathogenic or benign. BRCA2 Thr3165Ser was not observed in approximately 6,500 individuals of European and African American ancestry in the NHLBI Exome Sequencing Project, suggesting it is not a common benign variant in these populations. Since Threonine and Serine share similar properties, this is considered a conservative amino acid substitution. BRCA2 Thr3165Ser occurs at a position that is not conserved and is located in the DNA binding domain (Yang 2002). In silico analyses are inconsistent regarding the effect this variant may have on protein structure and function. Based on currently available evidence, it is unclear whether BRCA2 Thr3165Ser is a pathogenic or benign variant. We consider it to be a variant of uncertain significance.